The following is an entry in ClinVar:

NM_017780.4(CHD7):c.8141C>T (p.Ala2714Val)

Gene: CHD7 (chromodomain helicase DNA binding protein 7; plus strand). Cytogenetic location: 8q12.2.
Variant type: single nucleotide variant.
Coding change: c.8141C>T on transcript NM_017780.4 (MANE Select); coding-DNA position 8141, C replaced by T.
Protein change: p.Ala2714Val; replaces alanine 2714 with valine.
Molecular consequence: missense variant.
Genome position (GRCh38, 1-based): chr8:60,865,080, C>T. VCF-style: chr8-60865080-C-T. GRCh37 (hg19) VCF-style: chr8-61777639-C-T.
Other names: c.1994C>T, p.Ala665Val (NM_001316690.1); short protein forms A2714V, A665V.
Identifiers: ClinVar variation 1297509 (VCV001297509.11), dbSNP rs573554562, ClinGen allele CA4760955.

ClinVar aggregate classification (germline): Conflicting classifications of pathogenicity. Review status: criteria provided, conflicting classifications (1 of 4 stars). 5 submissions from 5 submitters: Uncertain significance (2); Benign (1). 2 of the submissions do not count toward it. Last evaluated 2024-06-05.

Conditions:
CHARGE syndrome (CHARGE). Also called: Hittner Hirsch Kreh syndrome; CHARGE ASSOCIATION--COLOBOMA, HEART ANOMALY, CHOANAL ATRESIA, RETARDATION, GENITAL AND EAR ANOMALIES; Coloboma, heart anomaly, choanal atresia, retardation, genital and ear anomalies; CHARGE association; Hall-Hittner syndrome. Identifiers: Orphanet 138, MedGen C0265354, MONDO:0008965.
Hypogonadotropic hypogonadism 5 with or without anosmia (KAL5). Also called: HYPOGONADOTROPIC HYPOGONADISM 5 WITH ANOSMIA; CHD7-Related GnRH Deficiency (Kallmann Syndrome 5); HYPOGONADOTROPHIC HYPOGONADISM 5 WITHOUT ANOSMIA. Identifiers: Orphanet 478, MedGen C3552553, MONDO:0012880, OMIM 612370. Disease mechanism: loss of function.

Allele frequency attached by ClinVar (database versions not stated): TOPMed below 0.00001; gnomAD 0.00001; gnomAD exomes 0.00002; ExAC 0.00004; 1000 Genomes Project 30x 0.00016; 1000 Genomes Project 0.00020.
gnomAD v4.1: 15 of 1,609,804 alleles (0.00093%); highest among the groups gnomAD compares: East Asian, 0.0045%; no homozygotes.

Submissions (5):

Labcorp Genetics (formerly Invitae), Labcorp
Classification: Benign for CHARGE syndrome. Last evaluated: 2024-06-05. Review status: criteria provided, single submitter. Criteria: Invitae Variant Classification Sherloc (09022015). Collection method: clinical testing. Allele origin: germline.

GeneDx
Classification: Uncertain significance. Last evaluated: 2022-08-18. Review status: criteria provided, single submitter. Criteria: GeneDx Variant Classification Process June 2021. Collection method: clinical testing. Allele origin: germline. Affected: yes.
Comment: Observed in one patient with isolated hypogonadotropic hypogonadism in published literature (Izumi et al., 2014); In silico analysis, which includes protein predictors and evolutionary conservation, supports that this variant does not alter protein structure/function; This variant is associated with the following publications: (PMID: 25064402)

Fulgent Genetics
Classification: Uncertain significance for CHD7-related CHARGE syndrome; Hypogonadotropic hypogonadism 5 with or without anosmia. Last evaluated: 2022-04-22. Review status: criteria provided, single submitter. Criteria: ACMG Guidelines, 2015. Collection method: clinical testing. Allele origin: unknown.

Clinical Genetics DNA and cytogenetics Diagnostics Lab, Erasmus MC, Erasmus Medical Center
Classification: Likely benign. Review status: no assertion criteria provided. Collection method: clinical testing. Allele origin: germline. Affected: yes. Study: VKGL Data-share Consensus. Not counted in ClinVar's aggregate classification.

Joint Genome Diagnostic Labs from Nijmegen and Maastricht, Radboudumc and MUMC+
Classification: Likely benign. Review status: no assertion criteria provided. Collection method: clinical testing. Allele origin: germline. Affected: yes. Study: VKGL Data-share Consensus. Not counted in ClinVar's aggregate classification.